The following is an entry in ClinVar:

NM_004963.4(GUCY2C):c.157A>T (p.Asn53Tyr)

Genes: GUCY2C (guanylate cyclase 2C; minus strand), GUCY2C-AS1 (GUCY2C antisense RNA 1; plus strand). Cytogenetic location: 12p12.3.
Variant type: single nucleotide variant.
Coding change: c.157A>T on transcript NM_004963.4 (MANE Select); coding-DNA position 157, A replaced by T.
Protein change: p.Asn53Tyr; replaces asparagine 53 with tyrosine.
Molecular consequence: missense variant.
Genome position (GRCh38, 1-based): chr12:14,696,292, T>A on the plus strand (A>T on the coding strand, the complement: GUCY2C is on the minus strand). VCF-style: chr12-14696292-T-A. GRCh37 (hg19) VCF-style: chr12-14849226-T-A.
Other names: short protein forms N53Y.
Identifiers: ClinVar variation 1016110 (VCV001016110.9), dbSNP rs569085139, ClinGen allele CA6463834.

ClinVar aggregate classification (germline): Uncertain significance (1 of 4 stars; one submission).

Allele frequency attached by ClinVar (database versions not stated): gnomAD 0.00001 and 0.00003; gnomAD exomes 0.00003; TOPMed 0.00003; ExAC 0.00004; 1000 Genomes Project 30x 0.00016; 1000 Genomes Project 0.00020.
gnomAD v4.1: 11 of 1,614,128 alleles (0.00068%); highest among the groups gnomAD compares: East Asian, 0.025%; no homozygotes.

Submission:

Labcorp Genetics (formerly Invitae), Labcorp
Classification: Uncertain significance. Last evaluated: 2024-11-18. Review status: criteria provided, single submitter. Criteria: Invitae Variant Classification Sherloc (09022015). Collection method: clinical testing. Allele origin: germline.
Comment: This sequence change replaces asparagine, which is neutral and polar, with tyrosine, which is neutral and polar, at codon 53 of the GUCY2C protein (p.Asn53Tyr). This variant is present in population databases (rs569085139, gnomAD 0.04%). This variant has not been reported in the literature in individuals affected with GUCY2C-related conditions. ClinVar contains an entry for this variant (Variation ID: 1016110). Invitae Evidence Modeling of protein sequence and biophysical properties (such as structural, functional, and spatial information, amino acid conservation, physicochemical variation, residue mobility, and thermodynamic stability) indicates that this missense variant is not expected to disrupt GUCY2C protein function with a negative predictive value of 80%. In summary, the available evidence is currently insufficient to determine the role of this variant in disease. Therefore, it has been classified as a Variant of Uncertain Significance.